The following is an entry in ClinVar:

NM_001903.5(CTNNA1):c.182T>C (p.Leu61Ser)

Gene: CTNNA1 (catenin alpha 1; plus strand). Cytogenetic location: 5q31.2.
Variant type: single nucleotide variant.
Coding change: c.182T>C on transcript NM_001903.5 (MANE Select); coding-DNA position 182, T replaced by C.
Protein change: p.Leu61Ser; replaces leucine 61 with serine.
Molecular consequence: missense variant. On other transcripts: 5 prime UTR variant (1), intron variant (1).
Genome position (GRCh38, 1-based): chr5:138,783,253, T>C. VCF-style: chr5-138783253-T-C. GRCh37 (hg19) VCF-style: chr5-138118942-T-C.
Other names: c.182T>C, p.Leu61Ser (NM_001290307.3, NM_001323982.2, NM_001323983.1 and 3 more transcripts); c.-25T>C (NM_001290310.3); c.-9+1224T>C (NM_001290309.3); short protein forms L61S.
Identifiers: ClinVar variation 1057145 (VCV001057145.9), dbSNP rs2149656413, ClinGen allele CA361477423.

ClinVar aggregate classification (germline): Uncertain significance (1 of 4 stars; one submission).

Submission:

Labcorp Genetics (formerly Invitae), Labcorp
Classification: Uncertain significance. Last evaluated: 2020-07-25. Review status: criteria provided, single submitter. Criteria: Invitae Variant Classification Sherloc (09022015). Collection method: clinical testing. Allele origin: germline.
Comment: This sequence change replaces leucine with serine at codon 61 of the CTNNA1 protein (p.Leu61Ser). The leucine residue is highly conserved and there is a large physicochemical difference between leucine and serine. This variant is not present in population databases (ExAC no frequency). This variant has not been reported in the literature in individuals with CTNNA1-related conditions. Algorithms developed to predict the effect of missense changes on protein structure and function are either unavailable or do not agree on the potential impact of this missense change (SIFT: "Deleterious"; PolyPhen-2: "Probably Damaging"; Align-GVGD: "Class C0"). In summary, the available evidence is currently insufficient to determine the role of this variant in disease. Therefore, it has been classified as a Variant of Uncertain Significance.